The following is an entry in ClinVar:

ClinVar aggregate classification (germline): Conflicting classifications of pathogenicity. Review status: criteria provided, conflicting classifications (1 of 4 stars). 2 submissions from 2 submitters: Uncertain significance (1); Likely benign (1). Last evaluated 2025-06-15.

Allele frequency attached by ClinVar (database versions not stated): TOPMed below 0.00001; gnomAD 0.00003; gnomAD exomes 0.00004; ExAC 0.00008.
gnomAD v4.1: 60 of 1,611,130 alleles (0.0037%); highest among the groups gnomAD compares: South Asian, 0.063%; no homozygotes.

Submissions (2):

Labcorp Genetics (formerly Invitae), Labcorp
Classification: Uncertain significance. Last evaluated: 2025-06-15. Review status: criteria provided, single submitter. Criteria: Invitae Variant Classification Sherloc (09022015). Collection method: clinical testing. Allele origin: germline.
Comment: This sequence change affects codon 458 of the PRPF4 mRNA. It is a 'silent' change, meaning that it does not change the encoded amino acid sequence of the PRPF4 protein. It affects a nucleotide within the consensus splice site. This variant is present in population databases (rs747574552, gnomAD 0.07%), and has an allele count higher than expected for a pathogenic variant. This variant has not been reported in the literature in individuals affected with PRPF4-related conditions. ClinVar contains an entry for this variant (Variation ID: 2908984). Algorithms developed to predict the effect of sequence changes on RNA splicing suggest that this variant is not likely to affect RNA splicing. In summary, the available evidence is currently insufficient to determine the role of this variant in disease. Therefore, it has been classified as a Variant of Uncertain Significance.

Blueprint Genetics
Classification: Likely benign. Last evaluated: 2024-04-22. Review status: criteria provided, single submitter. Criteria: ACMG Guidelines, 2015. Collection method: clinical testing. Allele origin: germline.

NM_001244926.2(PRPF4):c.1371G>A (p.Glu457=)

Gene: PRPF4 (pre-mRNA splicing tri-snRNP complex factor PRPF4; plus strand). Cytogenetic location: 9q32.
Variant type: single nucleotide variant.
Coding change: c.1371G>A on transcript NM_001244926.2 (MANE Select); coding-DNA position 1371, G replaced by A.
Protein change: p.Glu457=; no amino-acid change (glutamic acid 457 retained).
Molecular consequence: synonymous variant. On other transcripts: non-coding transcript variant (2).
Genome position (GRCh38, 1-based): chr9:113,291,015, G>A. VCF-style: chr9-113291015-G-A. GRCh37 (hg19) VCF-style: chr9-116053295-G-A.
Other names: c.645G>A, p.Glu215= (NM_001322266.2, NM_001322267.2); c.1374G>A, p.Glu458= (NM_004697.5).
Identifiers: ClinVar variation 2908984 (VCV002908984.4), dbSNP rs747574552, ClinGen allele CA5195158.
Genomic context (GRCh38, chr9:113,291,015, plus strand): 5'-GCGGCGTTGCGTCTACACCATCCCTGCTCATCAGAACTTAGTGACTGGTGTCAAGTTTGA[G>A]CGTAAGCTTTCCTCCTATTTTACGTCTAAATGACACAGACAAACAGTATTGTGTTCCCGT-3'
Protein context (NP_001231855.1, residues 447-467): HQNLVTGVKF[Glu457=]PIHGNFLLTG